The following is an entry in ClinVar:

NM_153766.3(KCNJ1):c.499A>T (p.Lys167Ter)

Gene: KCNJ1 (potassium inwardly rectifying channel subfamily J member 1; minus strand). Cytogenetic location: 11q24.3.
Variant type: single nucleotide variant.
Coding change: c.499A>T on transcript NM_153766.3 (MANE Select); coding-DNA position 499, A replaced by T.
Protein change: p.Lys167Ter; replaces lysine 167 with a stop codon.
Molecular consequence: nonsense.
Genome position (GRCh38, 1-based): chr11:128,839,745, T>A on the plus strand (A>T on the coding strand, the complement: KCNJ1 is on the minus strand). VCF-style: chr11-128839745-T-A. GRCh37 (hg19) VCF-style: chr11-128709640-T-A.
Other names: c.556A>T, p.Lys186Ter (NM_000220.6); c.499A>T, p.Lys167Ter (NM_153764.3, NM_153767.4); c.550A>T, p.Lys184Ter (NM_153765.3); short protein forms K184*, K186*, K167*.
Identifiers: ClinVar variation 2834982 (VCV002834982.3), dbSNP rs763560097, ClinGen allele CA383244883.

ClinVar aggregate classification (germline): Pathogenic (1 of 4 stars; one submission).

Submission:

Labcorp Genetics (formerly Invitae), Labcorp
Classification: Pathogenic. Last evaluated: 2023-09-21. Review status: criteria provided, single submitter. Criteria: Invitae Variant Classification Sherloc (09022015). Collection method: clinical testing. Allele origin: germline.
Comment: This variant is not present in population databases (gnomAD no frequency). This sequence change creates a premature translational stop signal (p.Lys186*) in the KCNJ1 gene. While this is not anticipated to result in nonsense mediated decay, it is expected to disrupt the last 206 amino acid(s) of the KCNJ1 protein. For these reasons, this variant has been classified as Pathogenic. This variant disrupts a region of the KCNJ1 protein in which other variant(s) (p.His354Serfs*8) have been determined to be pathogenic (PMID: 11318951). This suggests that this is a clinically significant region of the protein, and that variants that disrupt it are likely to be disease-causing. This variant has not been reported in the literature in individuals affected with KCNJ1-related conditions.

Literature cited by the submitters: PubMed 11318951.